The following is an entry in ClinVar:

NM_001329943.3(KIAA0586):c.*3G>T

Gene: KIAA0586 (KIAA0586; plus strand). Cytogenetic location: 14q23.1.
Variant type: single nucleotide variant.
Coding change: c.*3G>T on transcript NM_001329943.3 (MANE Select); 3 bases downstream of the stop codon, G replaced by T.
Molecular consequence: 3 prime UTR variant. On other transcripts: missense variant (2).
Genome position (GRCh38, 1-based): chr14:58,547,935, G>T. VCF-style: chr14-58547935-G-T. GRCh37 (hg19) VCF-style: chr14-59014653-G-T.
Other names: c.4735G>T, p.Gly1579Trp (NM_001329944.2); c.*3G>T (NM_001329945.2, NM_001329946.2, NM_001329947.2 and 5 more transcripts); c.4894G>T, p.Gly1632Trp (NM_001244189.2); short protein forms G1579W, G1632W.
Identifiers: ClinVar variation 4788595 (VCV004788595.1).

ClinVar aggregate classification (germline): Uncertain significance (1 of 4 stars; one submission).

Conditions:
Short-rib thoracic dysplasia 14 with polydactyly (SRTD14). Identifiers: Orphanet 397715, MedGen C4225286, MONDO:0014688, OMIM 616546.
Joubert syndrome 23 (JBTS23). Identifiers: Orphanet 475, MedGen C4084822, MONDO:0014664, OMIM 616490.

gnomAD v4.1: 17 of 1,613,222 alleles (0.0011%); highest among the groups gnomAD compares: Non-Finnish European, 0.0012%; no homozygotes.

Submission:

Labcorp Genetics (formerly Invitae), Labcorp
Classification: Uncertain significance for Joubert syndrome 23; Short-rib thoracic dysplasia 14 with polydactyly. Last evaluated: 2025-12-10. Review status: criteria provided, single submitter. Criteria: Invitae Variant Classification Sherloc (09022015). Collection method: clinical testing. Allele origin: germline.
Comment: This sequence change replaces glycine, which is neutral and non-polar, with tryptophan, which is neutral and slightly polar, at codon 1632 of the KIAA0586 protein (p.Gly1632Trp). This variant is present in population databases (rs748083468, gnomAD 0.002%). This variant has not been reported in the literature in individuals affected with KIAA0586-related conditions. An algorithm developed to predict the effect of missense changes on protein structure and function (PolyPhen-2) suggests that this variant is likely to be disruptive. In summary, the available evidence is currently insufficient to determine the role of this variant in disease. Therefore, it has been classified as a Variant of Uncertain Significance.